The following is an entry in ClinVar:

ClinVar aggregate classification (germline): Uncertain significance (1 of 4 stars; one submission).

Conditions:
Hereditary cancer-predisposing syndrome. Also called: Hereditary Cancer Syndrome; Neoplastic Syndromes, Hereditary; Tumor predisposition; Hereditary neoplastic syndrome. Identifiers: Orphanet 140162, MedGen C0027672, MeSH D009386, MONDO:0015356.

Submission:

Ambry Genetics
Classification: Uncertain significance for Hereditary cancer-predisposing syndrome. Last evaluated: 2026-06-17. Review status: criteria provided, single submitter. Criteria: Ambry Variant Classification Scheme 2023. Collection method: clinical testing. Allele origin: germline.
Comment: The p.S439R variant (also known as c.1317C>A), located in coding exon 6 of the ALK gene, results from a C to A substitution at nucleotide position 1317. The serine at codon 439 is replaced by arginine, an amino acid with dissimilar properties. This amino acid position is conserved. In addition, the in silico prediction for this alteration is inconclusive. Based on the available evidence, the clinical significance of this variant remains unclear.

NM_004304.5(ALK):c.1317C>A (p.Ser439Arg)

Gene: ALK (ALK receptor tyrosine kinase; minus strand). Cytogenetic location: 2p23.2.
Variant type: single nucleotide variant.
Coding change: c.1317C>A on transcript NM_004304.5 (MANE Select); coding-DNA position 1317, C replaced by A.
Protein change: p.Ser439Arg; replaces serine 439 with arginine.
Molecular consequence: missense variant.
Genome position (GRCh38, 1-based): chr2:29,328,447, G>T on the plus strand (C>A on the coding strand, the complement: ALK is on the minus strand). VCF-style: chr2-29328447-G-T. GRCh37 (hg19) VCF-style: chr2-29551313-G-T.
Other names: short protein forms S439R.
Identifiers: ClinVar variation 5034985 (VCV005034985.1).